The following is an entry in ClinVar:

ClinVar aggregate classification (germline): Uncertain significance (1 of 4 stars; one submission).

Conditions:
Joubert syndrome 21 (JBTS21). Identifiers: MedGen C3810212, MONDO:0014288, OMIM 615636.

Allele frequency attached by ClinVar (database versions not stated): gnomAD exomes 0.00001 and 0.00004; ExAC 0.00002; gnomAD 0.00006 and 0.00007; TOPMed 0.00006; 1000 Genomes Project 30x 0.00047; 1000 Genomes Project 0.00080.
gnomAD v4.1: 23 of 1,613,204 alleles (0.0014%); highest among the groups gnomAD compares: Admixed American, 0.02%; no homozygotes.

Submission:

Labcorp Genetics (formerly Invitae), Labcorp
Classification: Uncertain significance for Joubert syndrome 21. Last evaluated: 2023-10-13. Review status: criteria provided, single submitter. Criteria: Invitae Variant Classification Sherloc (09022015). Collection method: clinical testing. Allele origin: germline.
Comment: This sequence change replaces alanine, which is neutral and non-polar, with threonine, which is neutral and polar, at codon 496 of the CSPP1 protein (p.Ala496Thr). This variant is present in population databases (rs533227813, gnomAD 0.02%). This variant has not been reported in the literature in individuals affected with CSPP1-related conditions. ClinVar contains an entry for this variant (Variation ID: 962645). Algorithms developed to predict the effect of missense changes on protein structure and function output the following: SIFT: "Not Available"; PolyPhen-2: "Benign"; Align-GVGD: "Not Available". The threonine amino acid residue is found in multiple mammalian species, which suggests that this missense change does not adversely affect protein function. In summary, the available evidence is currently insufficient to determine the role of this variant in disease. Therefore, it has been classified as a Variant of Uncertain Significance.

NM_001382391.1(CSPP1):c.1501G>A (p.Ala501Thr)

Gene: CSPP1 (centrosome and spindle pole associated protein 1; plus strand). Cytogenetic location: 8q13.2.
Variant type: single nucleotide variant.
Coding change: c.1501G>A on transcript NM_001382391.1 (MANE Select); coding-DNA position 1501, G replaced by A.
Protein change: p.Ala501Thr; replaces alanine 501 with threonine.
Molecular consequence: missense variant.
Genome position (GRCh38, 1-based): chr8:67,118,252, G>A. VCF-style: chr8-67118252-G-A. GRCh37 (hg19) VCF-style: chr8-68030487-G-A.
Other names: c.604G>A, p.Ala202Thr (NM_001291339.2); c.1420G>A, p.Ala474Thr (NM_001363131.2); c.1459G>A, p.Ala487Thr (NM_001363132.2); c.1378G>A, p.Ala460Thr (NM_001363133.2); c.1567G>A, p.Ala523Thr (NM_001364869.1); c.1387G>A, p.Ala463Thr (NM_001364870.1); c.1486G>A, p.Ala496Thr (NM_024790.7); short protein forms A463T, A501T, A523T, A202T, A460T, A487T, A474T, A496T.
Identifiers: ClinVar variation 962645 (VCV000962645.8), dbSNP rs533227813, ClinGen allele CA4770564.